The following is an entry in ClinVar:

ClinVar aggregate classification (germline): Benign. Review status: criteria provided, multiple submitters, no conflicts (2 of 4 stars). 4 submissions from 4 submitters: Benign (4). Last evaluated 2026-09-01.

Allele frequency attached by ClinVar (database versions not stated): ESP Exome Variant Server 0.00655; TOPMed 0.00776; ExAC 0.00598; gnomAD 0.00647 and 0.00661; gnomAD exomes 0.00630; 1000 Genomes Project 30x 0.00515; 1000 Genomes Project 0.00519.
gnomAD v4.1: 13,445 of 1,606,668 alleles (0.84%); highest among the groups gnomAD compares: Non-Finnish European, 1%; 72 homozygotes.

Submissions (4):

CeGaT Center for Human Genetics Tuebingen
Classification: Benign. Last evaluated: 2026-09-01. Review status: criteria provided, single submitter. Criteria: CeGaT Center For Human Genetics Tuebingen Variant Classification Criteria Version 2. Collection method: clinical testing. Allele origin: germline. Affected: yes. Observed: 40 variant alleles.
Comment: GNAS: BP4, BP7, BS1, BS2

Blueprint Genetics
Classification: Benign. Last evaluated: 2024-11-27. Review status: criteria provided, single submitter. Criteria: ACMG Guidelines, 2015. Collection method: clinical testing. Allele origin: germline.

Labcorp Genetics (formerly Invitae), Labcorp
Classification: Benign. Last evaluated: 2019-12-31. Review status: criteria provided, single submitter. Criteria: Invitae Variant Classification Sherloc (09022015). Collection method: clinical testing. Allele origin: germline.

Breakthrough Genomics
Classification: Benign. Review status: criteria provided, single submitter. Criteria: ACMG Guidelines, 2015. Collection method: not provided. Allele origin: germline. Inheritance: Autosomal dominant inheritance. Affected: yes.

NM_016592.5(GNAS):c.651T>A (p.Arg217=)

Genes: GNAS (GNAS complex locus; plus strand), GNAS-AS1 (GNAS antisense RNA 1; minus strand). Cytogenetic location: 20q13.32.
Variant type: single nucleotide variant.
Coding change: c.651T>A on transcript NM_016592.5 (MANE Plus Clinical); coding-DNA position 651, T replaced by A.
Protein change: p.Arg217=; no amino-acid change (arginine 217 retained).
Molecular consequence: synonymous variant. On other transcripts: 5 prime UTR variant (1).
Genome position (GRCh38, 1-based): chr20:58,840,757, T>A. VCF-style: chr20-58840757-T-A. GRCh37 (hg19) VCF-style: chr20-57415812-T-A.
Other names: c.-87T>A (NM_001410912.1).
Identifiers: ClinVar variation 783077 (VCV000783077.33), dbSNP rs75176432, ClinGen allele CA9926380.